The following is an entry in ClinVar:

ClinVar aggregate classification (germline): Uncertain significance. Review status: criteria provided, multiple submitters, no conflicts (2 of 4 stars). 2 submissions from 2 submitters: Uncertain significance (2). Last evaluated 2025-09-03.

Conditions:
Ciliary dyskinesia, primary, 37 (CILD37). Also called: CILIARY DYSKINESIA, PRIMARY, 37, WITH OR WITHOUT SITUS INVERSUS. Identifiers: MedGen C4539798, MONDO:0033204, OMIM 617577.
Spermatogenic failure 18. Identifiers: MedGen C4539783, MONDO:0054615, OMIM 617576.

gnomAD v4.1: 29 of 1,613,890 alleles (0.0018%); highest among the groups gnomAD compares: Non-Finnish European, 0.0024%; no homozygotes.

Submissions (2):

Labcorp Genetics (formerly Invitae), Labcorp
Classification: Uncertain significance for Ciliary dyskinesia, primary, 37; Spermatogenic failure 18. Last evaluated: 2025-09-03. Review status: criteria provided, single submitter. Criteria: Invitae Variant Classification Sherloc (09022015). Collection method: clinical testing. Allele origin: germline.
Comment: This sequence change replaces lysine, which is basic and polar, with asparagine, which is neutral and polar, at codon 1942 of the DNAH1 protein (p.Lys1942Asn). This variant is present in population databases (rs371378194, gnomAD 0.004%). This variant has not been reported in the literature in individuals affected with DNAH1-related conditions. Invitae Evidence Modeling of protein sequence and biophysical properties (such as structural, functional, and spatial information, amino acid conservation, physicochemical variation, residue mobility, and thermodynamic stability) indicates that this missense variant is not expected to disrupt DNAH1 protein function with a negative predictive value of 80%. In summary, the available evidence is currently insufficient to determine the role of this variant in disease. Therefore, it has been classified as a Variant of Uncertain Significance.

Ambry Genetics
Classification: Uncertain significance. Last evaluated: 2025-07-02. Review status: criteria provided, single submitter. Criteria: Ambry Variant Classification Scheme 2023. Collection method: clinical testing. Allele origin: germline.

NM_015512.5(DNAH1):c.5826G>C (p.Lys1942Asn)

Gene: DNAH1 (dynein axonemal heavy chain 1; plus strand). Cytogenetic location: 3p21.1.
Variant type: single nucleotide variant.
Coding change: c.5826G>C on transcript NM_015512.5 (MANE Select); coding-DNA position 5826, G replaced by C.
Protein change: p.Lys1942Asn; replaces lysine 1942 with asparagine.
Molecular consequence: missense variant.
Genome position (GRCh38, 1-based): chr3:52,368,801, G>C. VCF-style: chr3-52368801-G-C. GRCh37 (hg19) VCF-style: chr3-52402817-G-C.
Other names: short protein forms K1942N.
Identifiers: ClinVar variation 4241851 (VCV004241851.2).